The following is an entry in ClinVar:

ClinVar aggregate classification (germline): Uncertain significance. Review status: criteria provided, multiple submitters, no conflicts (2 of 4 stars). 2 submissions from 2 submitters: Uncertain significance (2). Last evaluated 2021-07-08.

Conditions:
Autosomal dominant limb-girdle muscular dystrophy type 1G (LGMDD3). Also called: Limb-girdle muscular dystrophy, type 1G; MUSCULAR DYSTROPHY, LIMB-GIRDLE, AUTOSOMAL DOMINANT 3. Identifiers: Orphanet 55596, MedGen C1836765, MONDO:0012193, OMIM 609115.

Submissions (2):

Labcorp Genetics (formerly Invitae), Labcorp
Classification: Uncertain significance for Autosomal dominant limb-girdle muscular dystrophy type 1G. Last evaluated: 2021-07-08. Review status: criteria provided, single submitter. Criteria: Invitae Variant Classification Sherloc (09022015). Collection method: clinical testing. Allele origin: germline.
Comment: This sequence change replaces glutamic acid with isoleucine at codon 272 of the HNRNPDL protein (p.Glu272Ile). The glutamic acid residue is highly conserved and there is a moderate physicochemical difference between glutamic acid and isoleucine. The frequency data for this variant in the population databases is not available, as this variant may be reported as separate entries in the ExAC database. This variant has not been reported in the literature in individuals affected with HNRNPDL-related conditions. Algorithms developed to predict the effect of missense changes on protein structure and function are either unavailable or do not agree on the potential impact of this missense change (SIFT: "Not Available"; PolyPhen-2: "Possibly Damaging"; Align-GVGD: "Not Available"). In summary, the available evidence is currently insufficient to determine the role of this variant in disease. Therefore, it has been classified as a Variant of Uncertain Significance.

Revvity Omics, Revvity
Classification: Uncertain significance for Autosomal dominant limb-girdle muscular dystrophy type 1G. Last evaluated: 2019-12-16. Review status: criteria provided, single submitter. Criteria: ACMG Guidelines, 2015. Collection method: clinical testing. Allele origin: germline.

NM_031372.4(HNRNPDL):c.814_815delinsAT (p.Glu272Ile)

Gene: HNRNPDL (heterogeneous nuclear ribonucleoprotein D like; minus strand). Cytogenetic location: 4q21.22.
Variant type: Indel.
Coding change: c.814_815delinsAT on transcript NM_031372.4 (MANE Select); coding-DNA positions 814 to 815, GA replaced by AT.
Protein change: p.Glu272Ile; replaces glutamic acid 272 with isoleucine.
Molecular consequence: missense variant. On other transcripts: non-coding transcript variant (1).
Genome position (GRCh38, 1-based): chr4:82,427,524-82,427,525, TC replaced by AT on the plus strand (GA replaced by AT on the coding strand, the reverse complement: HNRNPDL is on the minus strand). VCF-style: chr4-82427524-TC-AT. GRCh37 (hg19) VCF-style: chr4-83348677-TC-AT.
Other names: c.814_815delinsAT (NM_031372.3); c.814_815delinsAT, p.Glu272Ile (NM_001207000.1); short protein forms E272I.
Identifiers: ClinVar variation 1462318 (VCV001462318.10), dbSNP rs2110028841, ClinGen allele CA2573138426.